The following is an entry in ClinVar:

NM_001352754.2(ARMC9):c.2173C>T (p.Arg725Cys)

Genes: ARMC9 (armadillo repeat containing 9; plus strand), LOC122861306 (Sharpr-MPRA regulatory region 9410; plus strand). Cytogenetic location: 2q37.1.
Variant type: single nucleotide variant.
Coding change: c.2173C>T on transcript NM_001352754.2 (MANE Select); coding-DNA position 2173, C replaced by T.
Protein change: p.Arg725Cys; replaces arginine 725 with cysteine.
Molecular consequence: missense variant.
Genome position (GRCh38, 1-based): chr2:231,360,795, C>T. VCF-style: chr2-231360795-C-T. GRCh37 (hg19) VCF-style: chr2-232225507-C-T.
Other names: c.2173C>T, p.Arg725Cys (NM_001271466.4); short protein forms R725C.
Identifiers: ClinVar variation 1902341 (VCV001902341.5), dbSNP rs1024676778, ClinGen allele CA66862373.

ClinVar aggregate classification (germline): Uncertain significance (1 of 4 stars; one submission).

gnomAD v4.1: 56 of 1,536,030 alleles (0.0036%); highest among the groups gnomAD compares: Non-Finnish European, 0.0044%; no homozygotes.

Submission:

Labcorp Genetics (formerly Invitae), Labcorp
Classification: Uncertain significance. Last evaluated: 2024-10-30. Review status: criteria provided, single submitter. Criteria: Invitae Variant Classification Sherloc (09022015). Collection method: clinical testing. Allele origin: germline.
Comment: This sequence change replaces arginine, which is basic and polar, with cysteine, which is neutral and slightly polar, at codon 725 of the ARMC9 protein (p.Arg725Cys). This variant is present in population databases (no rsID available, gnomAD 0.02%). This variant has not been reported in the literature in individuals affected with ARMC9-related conditions. ClinVar contains an entry for this variant (Variation ID: 1902341). Experimental studies and prediction algorithms are not available or were not evaluated, and the functional significance of this variant is currently unknown. In summary, the available evidence is currently insufficient to determine the role of this variant in disease. Therefore, it has been classified as a Variant of Uncertain Significance.